The following is an entry in ClinVar:

ClinVar aggregate classification (germline): Pathogenic/Likely pathogenic. Review status: criteria provided, multiple submitters, no conflicts (2 of 4 stars). 4 submissions from 4 submitters: Pathogenic (3); Likely pathogenic (1). Last evaluated 2025-11-22.

Conditions:
Cardiomyopathy (CMYO). Also called: Cardiomyopathies. Identifiers: Orphanet 167848, MedGen C0878544, MONDO:0004994, HP:0001638. Inheritance: Various modes of inheritance.
Arrhythmogenic cardiomyopathy with wooly hair and keratoderma. Also called: PALMOPLANTAR KERATODERMA WITH LEFT VENTRICULAR CARDIOMYOPATHY AND WOOLLY HAIR; Carvajal syndrome; Dilated cardiomyopathy with woolly hair and keratoderma; Arrhythmogenic cardiomyopathy with woolly hair and keratoderma. Identifiers: Orphanet 65282, MedGen C1854063, MONDO:0011581, OMIM 605676.
Arrhythmogenic right ventricular dysplasia 8 (ARVD8). Also called: Arrhythmogenic Right Ventricular Dysplasia/Cardiomyopathy 8; ARRHYTHMOGENIC RIGHT VENTRICULAR DYSPLASIA, FAMILIAL, 8; ARRHYTHMOGENIC RIGHT VENTRICULAR CARDIOMYOPATHY 8. Identifiers: MedGen C1843896, MONDO:0011831, OMIM 607450.
Cardiovascular phenotype. Identifiers: MedGen CN230736.

Submissions (4):

Labcorp Genetics (formerly Invitae), Labcorp
Classification: Pathogenic for Arrhythmogenic cardiomyopathy with wooly hair and keratoderma; Arrhythmogenic right ventricular dysplasia 8. Last evaluated: 2025-11-22. Review status: criteria provided, single submitter. Criteria: Invitae Variant Classification Sherloc (09022015). Collection method: clinical testing. Allele origin: germline.
Comment: This sequence change creates a premature translational stop signal (p.Arg1777Glyfs*8) in the DSP gene. While this is not anticipated to result in nonsense mediated decay, it is expected to disrupt the last 1095 amino acid(s) of the DSP protein. This variant is not present in population databases (gnomAD no frequency). This variant has not been reported in the literature in individuals affected with DSP-related conditions. ClinVar contains an entry for this variant (Variation ID: 1746853). This variant disrupts a region of the DSP protein in which other variant(s) (p.Arg2725Alafs*21) have been determined to be pathogenic (internal data). This suggests that this is a clinically significant region of the protein, and that variants that disrupt it are likely to be disease-causing. For these reasons, this variant has been classified as Pathogenic.

Color Diagnostics, LLC DBA Color Health
Classification: Pathogenic for Cardiomyopathy. Last evaluated: 2024-08-19. Review status: criteria provided, single submitter. Criteria: ACMG Guidelines, 2015. Collection method: clinical testing. Allele origin: germline.
Comment: This variant deletes 2 nucleotides in exon 23 of the DSP gene, creating a frameshift and premature translation stop signal. This variant is expected to result in an absent or non-functional protein product. To our knowledge, this variant has not been reported in individuals affected with DSP-related disorders in the literature. This variant has not been identified in the general population by the Genome Aggregation Database (gnomAD). Loss of DSP function is a known mechanism of disease. Based on the available evidence, this variant is classified as Pathogenic.

All of Us Research Program, National Institutes of Health
Classification: Likely pathogenic for Arrhythmogenic cardiomyopathy with wooly hair and keratoderma. Last evaluated: 2024-07-15. Review status: criteria provided, single submitter. Criteria: ACMG Guidelines, 2015. Collection method: clinical testing. Allele origin: germline. Inheritance: Autosomal dominant inheritance. Observed: 2 variant alleles, 2 heterozygotes.
Comment: This variant creates a premature termination codon within the last 50 base pairs of the penultimate exon. The transcribed mRNA is predicted to escape nonsense mediated decay and result in protein truncation. This prediction has not been confirmed by functional studies. To date, this variant has not been reported in association with human disease in the medical literature. This variant is absent from large population databases, including the Genome Aggregation Database.

This study involves interpretation of variants in research participants for the purpose of population health screening. Participant phenotype was not available at the time of variant classification. Additional details can be found in publication PMID: 35346344, PMCID: PMC8962531

Ambry Genetics
Classification: Pathogenic for Cardiovascular phenotype. Last evaluated: 2022-09-21. Review status: criteria provided, single submitter. Criteria: Ambry Variant Classification Scheme 2023. Collection method: clinical testing. Allele origin: germline.
Comment: The c.5329_5330delAG pathogenic mutation, located in coding exon 23 of the DSP gene, results from a deletion of two nucleotides at nucleotide positions 5329 to 5330, causing a translational frameshift with a predicted alternate stop codon (p.R1777Gfs*8). This alteration occurs at the 3' terminus of the DSP gene, is not expected to trigger nonsense-mediated mRNA decay, and impacts the last 38% of the protein. However, premature stop codons are typically deleterious in nature and a significant portion of the protein is affected (Ambry internal data). Alterations in DSP that result in haploinsufficiency or protein truncation have been reported in patients with arrhythmogenic right ventricular cardiomyopathy (ARVC) and dilated cardiomyopathy (DCM) (Fressart V et al. Europace. 2010;12(6):861-8; Elliott P et al. Circ Cardiovasc Genet. 2010;3(4):314-22; Quarta G et al. Circulation. 2011;123(23):2701-9; Garcia-Pavia P et al. Heart. 2011;97(21):1744-52; Rasmussen TB et al. Clin Genet. 2013;84(1):20-30; Pugh TJ et al. Genet Med. 2014;16(8):601-8). This variant is considered to be rare based on population cohorts in the Genome Aggregation Database (gnomAD). Based on the supporting evidence, this alteration is interpreted as a disease-causing mutation.

NM_004415.4(DSP):c.5329_5330del (p.Arg1777fs)

Gene: DSP (desmoplakin; plus strand). Cytogenetic location: 6p24.3.
Variant type: Microsatellite.
Coding change: c.5329_5330del on transcript NM_004415.4 (MANE Select); coding-DNA positions 5329 to 5330, 2 bases deleted (AG; older notation c.5329_5330delAG).
Protein change: p.Arg1777fs; shifts the reading frame from arginine 1777.
Molecular consequence: frameshift variant. On other transcripts: intron variant (2).
Genome position (GRCh38, 1-based): chr6:7,581,519-7,581,520, AG deleted; deleting any 2 consecutive bases within chr6:7,581,511-7,581,520 gives the same sequence; the c. name uses the placement nearest the transcript's 3' end. VCF-style (leftmost placement, unchanged base first): chr6-7581510-CAG-C. GRCh37 (hg19) VCF-style: chr6-7581743-CAG-C.
Other names: c.5321_5322AG[4], p.Arg1777Glyfs (NM_004415.2); c.4051-1131AG[4] (NM_001319034.2); c.3583-1131AG[4] (NM_001008844.3); c.5329_5330delAG (NM_004415.2); short protein forms R1777fs.
Identifiers: ClinVar variation 1746853 (VCV001746853.7), dbSNP rs1394836623, ClinGen allele CA645552054.